The following is an entry in ClinVar:

NM_000117.3(EMD):c.171C>T (p.Ser57=)

Gene: EMD (emerin; plus strand). Cytogenetic location: Xq28.
Variant type: single nucleotide variant.
Coding change: c.171C>T on transcript NM_000117.3 (MANE Select); coding-DNA position 171, C replaced by T.
Protein change: p.Ser57=; no amino-acid change (serine 57 retained).
Molecular consequence: synonymous variant.
Genome position (GRCh38, 1-based): chrX:154,379,778, C>T. VCF-style: chrX-154379778-C-T. GRCh37 (hg19) VCF-style: chrX-153608138-C-T.
Identifiers: ClinVar variation 382174 (VCV000382174.16), dbSNP rs900267221, ClinGen allele CA16609156.

ClinVar aggregate classification (germline): Conflicting classifications of pathogenicity. Review status: criteria provided, conflicting classifications (1 of 4 stars). 6 submissions from 6 submitters: Uncertain significance (1); Likely benign (4). 1 of the submissions does not count toward it. Last evaluated 2026-01-12.

Conditions:
Emery-Dreifuss muscular dystrophy (EDMD). Also called: Scapuloperoneal syndrome, X-linked (formerly); Humeroperoneal neuromuscular disease, (formerly). Identifiers: Orphanet 261, MedGen C0410189, MONDO:0016830.
Cardiovascular phenotype. Identifiers: MedGen CN230736.
X-linked Emery-Dreifuss muscular dystrophy. Also called: Muscular dystrophy, tardive Emery-Dreifuss type, with contractures. Identifiers: Orphanet 261, Orphanet 98863, MedGen C0751337, MONDO:0010680.

Allele frequency attached by ClinVar (database versions not stated): gnomAD exomes 0.00001; gnomAD 0.00004; TOPMed 0.00007.
gnomAD v4.1: 12 of 1,201,899 alleles (0.001%); highest among the groups gnomAD compares: Admixed American, 0.0089%; no homozygotes.

Submissions (6):

Labcorp Genetics (formerly Invitae), Labcorp
Classification: Likely benign for X-linked Emery-Dreifuss muscular dystrophy. Last evaluated: 2026-01-12. Review status: criteria provided, single submitter. Criteria: Invitae Variant Classification Sherloc (09022015). Collection method: clinical testing. Allele origin: germline.

Blueprint Genetics
Classification: Likely benign. Last evaluated: 2023-11-14. Review status: criteria provided, single submitter. Criteria: ACMG Guidelines, 2015. Collection method: clinical testing. Allele origin: germline.

Ambry Genetics
Classification: Likely benign for Cardiovascular phenotype. Last evaluated: 2020-02-27. Review status: criteria provided, single submitter. Criteria: Ambry Variant Classification Scheme 2023. Collection method: clinical testing. Allele origin: germline.

GeneDx
Classification: Likely benign. Last evaluated: 2018-01-17. Review status: criteria provided, single submitter. Criteria: GeneDx Variant Classification (06012015). Collection method: clinical testing. Allele origin: germline. Affected: yes.
Comment: This variant is considered likely benign or benign based on one or more of the following criteria: it is a conservative change, it occurs at a poorly conserved position in the protein, it is predicted to be benign by multiple in silico algorithms, and/or has population frequency not consistent with disease.

Eurofins Ntd Llc (ga)
Classification: Uncertain significance. Last evaluated: 2016-10-03. Review status: criteria provided, single submitter. Criteria: EGL Classification Definitions 2015. Collection method: clinical testing. Allele origin: germline. Observed: 2 variant alleles, 1 heterozygote, 1 hemizygote.

Natera, Inc.
Classification: Likely benign for Emery-Dreifuss muscular dystrophy. Last evaluated: 2020-04-11. Review status: no assertion criteria provided. Collection method: clinical testing. Allele origin: germline. Not counted in ClinVar's aggregate classification.